The following is an entry in ClinVar:

ClinVar aggregate classification (germline): Pathogenic (1 of 4 stars; one submission).

Conditions:
Tubulinopathy. Also called: Tubulinopathies. Identifiers: MedGen CN850169, MONDO:0100153.

Submission:

Institute of Human Genetics, FAU Erlangen, Friedrich-Alexander-Universität Erlangen-Nürnberg
Classification: Pathogenic for Tubulinopathies. Last evaluated: 2018-07-01. Review status: criteria provided, single submitter. Criteria: ACMG Guidelines, 2015. Collection method: literature only. Allele origin: de novo. Affected: yes. Observed: 1 variant allele.
Comment: The c.599G>A, p.(Cys200Tyr) variant has been reported as a variant of de novo origin. This variant and associated phenotype was previously reported by Hikita et al. Brain Dev, 2014 PMID: 23528852. Agyria (HP:0031882); Cerebellar hypoplasia (HP:0001321); Dysgenesis of the hippocampus (HP:0025101); Dilation of lateral ventricles (HP:0006956); no Gray matter heterotopia (-HP:0002281); Congenital microcephaly (HP:0011451); Microcephaly (HP:0000252); Generalized tonic-clonic seizures (HP:0002069)

Literature cited by the submitters: PubMed 30744660; DOI 10.1101/427948.

NM_006009.4(TUBA1A):c.599G>A (p.Cys200Tyr)

Gene: TUBA1A (tubulin alpha 1a; minus strand). Cytogenetic location: 12q13.12.
Variant type: single nucleotide variant.
Coding change: c.599G>A on transcript NM_006009.4 (MANE Select); coding-DNA position 599, G replaced by A.
Protein change: p.Cys200Tyr; replaces cysteine 200 with tyrosine.
Molecular consequence: missense variant.
Genome position (GRCh38, 1-based): chr12:49,185,767, C>T on the plus strand (G>A on the coding strand, the complement: TUBA1A is on the minus strand). VCF-style: chr12-49185767-C-T. GRCh37 (hg19) VCF-style: chr12-49579550-C-T.
Other names: c.599G>A, p.Cys200Tyr (NM_001270399.2); c.494G>A, p.Cys165Tyr (NM_001270400.2); short protein forms C200Y, C165Y.
Identifiers: ClinVar variation 625501 (VCV000625501.2), dbSNP rs1565627260, ClinGen allele CA384641475.
Genomic context (GRCh38, chr12:49,185,767, plus strand): 5'-TCAATATCGAGGTTTCTACGACAGATGTCATAGATGGCCTCATTGTCTACCATGAAGGCA[C>T]AATCAGAGTGCTCCAGGGTGGTGTGGGTGGTGAGGATGGAGTTGTAGGGCTCAACTACAG-3'
Protein context (NP_006000.2, residues 190-210): TTHTTLEHSD[Cys200Tyr]AFMVDNEAIY